The following is an entry in ClinVar:

NM_001144997.2(ITGA7):c.14-14T>G

Gene: ITGA7 (integrin subunit alpha 7; minus strand). Cytogenetic location: 12q13.2.
Variant type: single nucleotide variant.
Coding change: c.14-14T>G on transcript NM_001144997.2; 14 bases into the intron before coding-DNA position 14, T replaced by G.
Molecular consequence: intron variant. On other transcripts: 5 prime UTR variant (1).
Genome position (GRCh38, 1-based): chr12:55,712,148, A>C on the plus strand (T>G on the coding strand, the complement: ITGA7 is on the minus strand). VCF-style: chr12-55712148-A-C. GRCh37 (hg19) VCF-style: chr12-56105932-A-C.
Other names: NC_000012.11:g.56105932A>C; c.-219T>G (NM_001414035.1); c.-205-14T>G (NM_001367993.1).
Identifiers: ClinVar variation 677460 (VCV000677460.5), dbSNP rs78694778, ClinGen allele CA6616499.

ClinVar aggregate classification (germline): Benign. Review status: criteria provided, multiple submitters, no conflicts (2 of 4 stars). 2 submissions from 2 submitters: Benign (2). Last evaluated 2018-06-19.

Allele frequency attached by ClinVar (database versions not stated): 1000 Genomes Project 0.05511; gnomAD 0.05925 and 0.05519; 1000 Genomes Project 30x 0.05949; TOPMed 0.06282; ExAC 0.02361; gnomAD exomes 0.00701 and 0.01530.
gnomAD v4.1: 18,700 of 1,551,456 alleles (1.2%); highest among the groups gnomAD compares: African/African-American, 18%; 1,349 homozygotes.

Submissions (10):

GeneDx
Classification: Benign. Last evaluated: 2018-06-19. Review status: criteria provided, single submitter. Criteria: GeneDx Variant Classification (06012015). Collection method: clinical testing. Allele origin: germline. Affected: yes.
Comment: This variant is considered likely benign or benign based on one or more of the following criteria: it is a conservative change, it occurs at a poorly conserved position in the protein, it is predicted to be benign by multiple in silico algorithms, and/or has population frequency not consistent with disease.

Breakthrough Genomics
Classification: Benign. Review status: criteria provided, single submitter. Criteria: ACMG Guidelines, 2015. Collection method: not provided. Allele origin: germline. Inheritance: Autosomal recessive inheritance. Affected: yes.

Dr. Peter K. Rogan Lab, Western University
No classification provided (evidence only). Condition: Acute myeloid leukemia. Review status: no classification provided. Collection method: in vitro. Allele origin: not applicable. Functional consequence: retained intron. Not counted in ClinVar's aggregate classification.

Dr. Peter K. Rogan Lab, Western University
No classification provided (evidence only). Condition: Cervical cancer. Review status: no classification provided. Collection method: in vitro. Allele origin: not applicable. Functional consequence: retained intron. Not counted in ClinVar's aggregate classification.

Dr. Peter K. Rogan Lab, Western University
No classification provided (evidence only). Condition: Sarcoma. Review status: no classification provided. Collection method: in vitro. Allele origin: not applicable. Functional consequence: retained intron. Not counted in ClinVar's aggregate classification.

Dr. Peter K. Rogan Lab, Western University
No classification provided (evidence only). Condition: Sarcoma. Review status: no classification provided. Collection method: in vitro. Allele origin: not applicable. Functional consequence: retained intron. Not counted in ClinVar's aggregate classification.

Dr. Peter K. Rogan Lab, Western University
No classification provided (evidence only). Condition: Sarcoma. Review status: no classification provided. Collection method: in vitro. Allele origin: not applicable. Functional consequence: retained intron. Not counted in ClinVar's aggregate classification.

Dr. Peter K. Rogan Lab, Western University
No classification provided (evidence only). Condition: Sarcoma. Review status: no classification provided. Collection method: in vitro. Allele origin: not applicable. Functional consequence: retained intron. Not counted in ClinVar's aggregate classification.

Dr. Peter K. Rogan Lab, Western University
No classification provided (evidence only). Condition: Sarcoma. Review status: no classification provided. Collection method: in vitro. Allele origin: not applicable. Functional consequence: retained intron. Not counted in ClinVar's aggregate classification.

Dr. Peter K. Rogan Lab, Western University
No classification provided (evidence only). Condition: Cholangiocarcinoma. Review status: no classification provided. Collection method: in vitro. Allele origin: not applicable. Functional consequence: retained intron. Not counted in ClinVar's aggregate classification.